The following is an entry in ClinVar:

ClinVar aggregate classification (germline): Pathogenic (1 of 4 stars; one submission).

Conditions:
Spastic paraplegia. Identifiers: MedGen C0037772, HP:0001258.

Submission:

Labcorp Genetics (formerly Invitae), Labcorp
Classification: Pathogenic for Spastic paraplegia. Last evaluated: 2022-02-03. Review status: criteria provided, single submitter. Criteria: Invitae Variant Classification Sherloc (09022015). Collection method: clinical testing. Allele origin: germline.
Comment: For these reasons, this variant has been classified as Pathogenic. This variant has not been reported in the literature in individuals affected with ZFYVE26-related conditions. This variant is a gross deletion of the genomic region encompassing exon(s) 21-23 of the ZFYVE26 gene. This deletion is out-of-frame, and is expected to create a premature termination codon and result in an absent or disrupted protein product. Loss-of-function variants in ZFYVE26 are known to be pathogenic (PMID: 18394578, 19805727).

Literature cited by the submitters: PubMed 18394578; PubMed 19805727.

NC_000014.8:g.(?_68246948)_(68250252_?)del

Gene: ZFYVE26 (zinc finger FYVE-type containing 26; minus strand). Cytogenetic location: 14q24.1.
Variant type: Deletion.
Identifiers: ClinVar variation 1459563 (VCV001459563.5).